The following is an entry in ClinVar:

ClinVar aggregate classification (germline): Conflicting classifications of pathogenicity. Review status: criteria provided, conflicting classifications (1 of 4 stars). 2 submissions from 2 submitters: Uncertain significance (1); Likely benign (1). Last evaluated 2026-06-30.

Conditions:
Cohen syndrome (COH1). Also called: Cutis verticis gyrata, retinitis pigmentosa, and sensorineural deafness; PEPPER SYNDROME. Identifiers: Orphanet 193, MedGen C0265223, MONDO:0008999, OMIM 216550.
VPS13B-related disorder. Also called: VPS13B-related condition.

Allele frequency attached by ClinVar (database versions not stated): gnomAD exomes below 0.00001; gnomAD 0.00001.
gnomAD v4.1: 2 of 1,613,844 alleles (0.00012%); highest among the groups gnomAD compares: African/African-American, 0.0027%; no homozygotes.

Submissions (2):

PreventionGenetics, part of Exact Sciences
Classification: Uncertain significance for VPS13B-related condition. Last evaluated: 2026-06-30. Review status: criteria provided, single submitter. Criteria: ACMG Guidelines, 2015. Collection method: clinical testing. Allele origin: germline.
Comment: The VPS13B c.1217T>G variant is predicted to result in the amino acid substitution p.Phe406Cys. On an alternate transcript (NM_181661), this variant is referred to as c.1217T>G (p.Phe406Cys). To our knowledge, this variant has not been reported in the literature or in a large population database (gnomAD), indicating this variant is rare. At this time, the clinical significance of this variant is uncertain due to the absence of conclusive functional and genetic evidence.

Labcorp Genetics (formerly Invitae), Labcorp
Classification: Likely benign for Cohen syndrome. Last evaluated: 2022-12-03. Review status: criteria provided, single submitter. Criteria: Invitae Variant Classification Sherloc (09022015). Collection method: clinical testing. Allele origin: germline.

NM_152564.5(VPS13B):c.1206+11T>G

Gene: VPS13B (vacuolar protein sorting 13 homolog B; plus strand). Cytogenetic location: 8q22.2.
Variant type: single nucleotide variant.
Coding change: c.1206+11T>G on transcript NM_152564.5 (MANE Select); 11 bases into the intron after coding-DNA position 1206, T replaced by G.
Molecular consequence: intron variant. On other transcripts: missense variant (1), non-coding transcript variant (1).
Genome position (GRCh38, 1-based): chr8:99,121,456, T>G. VCF-style: chr8-99121456-T-G. GRCh37 (hg19) VCF-style: chr8-100133684-T-G.
Other names: c.1217T>G, p.Phe406Cys (NM_181661.3); c.1206+11T>G (NM_017890.5, NM_015243.3); short protein forms F406C.
Identifiers: ClinVar variation 2913613 (VCV002913613.4), dbSNP rs1847928596, ClinGen allele CA371861376.